The following is an entry in ClinVar:

ClinVar aggregate classification (germline): Uncertain significance (1 of 4 stars; one submission).

Conditions:
Myopathy, proximal, and ophthalmoplegia (CMYO6). Also called: CONGENITAL MYOPATHY 6 WITH OPHTHALMOPLEGIA; MYOPATHY WITH CONGENITAL JOINT CONTRACTURES, OPHTHALMOPLEGIA, AND RIMMED VACUOLES; INCLUSION BODY MYOPATHY 3, AUTOSOMAL DOMINANT. Identifiers: Orphanet 363677, Orphanet 79091, MedGen C1854106, MONDO:0011577, OMIM 605637.

Submission:

Labcorp Genetics (formerly Invitae), Labcorp
Classification: Uncertain significance for Myopathy, proximal, and ophthalmoplegia. Last evaluated: 2024-05-02. Review status: criteria provided, single submitter. Criteria: Invitae Variant Classification Sherloc (09022015). Collection method: clinical testing. Allele origin: germline.
Comment: This sequence change replaces asparagine, which is neutral and polar, with histidine, which is basic and polar, at codon 682 of the MYH2 protein (p.Asn682His). This variant is not present in population databases (gnomAD no frequency). This variant has not been reported in the literature in individuals affected with MYH2-related conditions. Advanced modeling of protein sequence and biophysical properties (such as structural, functional, and spatial information, amino acid conservation, physicochemical variation, residue mobility, and thermodynamic stability) performed at Invitae indicates that this missense variant is expected to disrupt MYH2 protein function with a positive predictive value of 80%. In summary, the available evidence is currently insufficient to determine the role of this variant in disease. Therefore, it has been classified as a Variant of Uncertain Significance.

NM_017534.6(MYH2):c.2044A>C (p.Asn682His)

Genes: MYH2 (myosin heavy chain 2; minus strand), MYHAS (myosin heavy chain gene cluster antisense RNA; plus strand). Cytogenetic location: 17p13.1.
Variant type: single nucleotide variant.
Coding change: c.2044A>C on transcript NM_017534.6 (MANE Select); coding-DNA position 2044, A replaced by C.
Protein change: p.Asn682His; replaces asparagine 682 with histidine.
Molecular consequence: missense variant.
Genome position (GRCh38, 1-based): chr17:10,535,296, T>G on the plus strand (A>C on the coding strand, the complement: MYH2 is on the minus strand). VCF-style: chr17-10535296-T-G. GRCh37 (hg19) VCF-style: chr17-10438613-T-G.
Other names: c.2044A>C, p.Asn682His (NM_001100112.2); short protein forms N682H.
Identifiers: ClinVar variation 3652019 (VCV003652019.2).